The following is an entry in ClinVar:

NM_001164508.2(NEB):c.11627G>A (p.Trp3876Ter)

Gene: NEB (nebulin; minus strand). Cytogenetic location: 2q23.3.
Variant type: single nucleotide variant.
Coding change: c.11627G>A on transcript NM_001164508.2 (MANE Select); coding-DNA position 11627, G replaced by A.
Protein change: p.Trp3876Ter; replaces tryptophan 3876 with a stop codon.
Molecular consequence: nonsense.
Genome position (GRCh38, 1-based): chr2:151,612,364, C>T on the plus strand (G>A on the coding strand, the complement: NEB is on the minus strand). VCF-style: chr2-151612364-C-T. GRCh37 (hg19) VCF-style: chr2-152468878-C-T.
Other names: c.11627G>A, p.Trp3876Ter (NM_001164507.2, NM_001271208.2); c.10898G>A, p.Trp3633Ter (NM_004543.5); c.10898G>A (NM_004543.4); short protein forms W3876*, W3633*.
Identifiers: ClinVar variation 450119 (VCV000450119.18), dbSNP rs776569219, ClinGen allele CA1908708.

ClinVar aggregate classification (germline): Pathogenic/Likely pathogenic. Review status: criteria provided, multiple submitters, no conflicts (2 of 4 stars). 7 submissions from 7 submitters: Pathogenic (5); Likely pathogenic (1). 1 of the submissions does not count toward it. Last evaluated 2026-07-08.

Conditions:
Inborn genetic diseases. Identifiers: MedGen C0950123, MeSH D030342.
Nemaline myopathy. Also called: Myopathies, Nemaline. Identifiers: Orphanet 607, MedGen C0206157, MONDO:0018958.
Nemaline myopathy 2 (NEM2). Also called: Nemaline myopathy 2, autosomal recessive. Identifiers: MedGen C1850569, MONDO:0009725, OMIM 256030.
Arthrogryposis multiplex congenita 6. Identifiers: MedGen C5543431, MONDO:0030281, OMIM 619334.

Allele frequency attached by ClinVar (database versions not stated): ExAC 0.00001; gnomAD exomes 0.00002.
gnomAD v4.1: 7 of 1,613,732 alleles (0.00043%); highest among the groups gnomAD compares: Admixed American, 0.01%; no homozygotes.

Submissions (7):

Ambry Genetics
Classification: Pathogenic for Inborn genetic diseases. Last evaluated: 2026-07-08. Review status: criteria provided, single submitter. Criteria: Ambry Variant Classification Scheme 2023. Collection method: clinical testing. Allele origin: germline.
Comment: The c.10898G>A (p.W3633*) alteration, located in exon 75 (coding exon 73) of the NEB gene, consists of a G to A substitution at nucleotide position 10898. This changes the amino acid from a tryptophan (W) to a stop codon at amino acid position 3633. This variant is expected to result in loss of function by premature protein truncation or nonsense-mediated mRNA decay. Based on data from gnomAD, the A allele has an overall frequency of 0.002% (5/279908) total alleles studied. The highest observed frequency was 0.014% (1/7114) of Other alleles. Other variant(s) resulting in the same nonsense change (c.10899G>A) have been identified in individual(s) with features consistent with NEB-related nemaline myopathy (Lehtokari, 2014; Scocchia, 2019). Based on the available evidence, this alteration is classified as pathogenic.

Labcorp Genetics (formerly Invitae), Labcorp
Classification: Pathogenic for Nemaline myopathy 2. Last evaluated: 2025-08-12. Review status: criteria provided, single submitter. Criteria: Invitae Variant Classification Sherloc (09022015). Collection method: clinical testing. Allele origin: germline.
Comment: This sequence change creates a premature translational stop signal (p.Trp3876*) in the NEB gene. It is expected to result in an absent or disrupted protein product. Loss-of-function variants in NEB are known to be pathogenic (PMID: 25205138). The frequency data for this variant in the population databases is considered unreliable, as metrics indicate poor data quality at this position in the gnomAD database. This variant has not been reported in the literature in individuals affected with NEB-related conditions. ClinVar contains an entry for this variant (Variation ID: 450119). For these reasons, this variant has been classified as Pathogenic.

Natera, Inc.
Classification: Likely pathogenic for Nemaline myopathy type 2. Last evaluated: 2024-10-31. Review status: criteria provided, single submitter. Criteria: Natera Variant Classification Schema (03/2026). Collection method: clinical testing. Allele origin: germline.
Comment: The c.11627G>A variant in NEB is a nonsense variant predicted to introduce a stop codon at amino acid 3876. This variant is expected to result in nonsense mediated decay, truncation, or a dysfunctional protein product. This variant is rare in the general population with a frequency below the threshold expected for the associated phenotype(s). Given the available evidence, this variant is classified as Likely Pathogenic.

Women's Health and Genetics/Laboratory Corporation of America, LabCorp
Classification: Pathogenic for Nemaline myopathy. Last evaluated: 2024-02-22. Review status: criteria provided, single submitter. Criteria: LabCorp Variant Classification Summary - May 2015. Collection method: clinical testing. Allele origin: germline.
Comment: Variant summary: NEB c.11627G>A (p.Trp3876X) results in a premature termination codon, predicted to cause a truncation of the encoded protein or absence of the protein due to nonsense mediated decay, which are commonly known mechanisms for disease. The variant allele was found at a frequency of 1.6e-05 in 248508 control chromosomes. c.11627G>A has been reported in the literature in at least one compound heterozygous individual affected with Nemaline Myopathy 2 (e.g., de Winter_2016). To our knowledge, no experimental evidence demonstrating an impact on protein function has been reported. The following publication has been ascertained in the context of this evaluation (PMID: 27074222). ClinVar contains an entry for this variant (Variation ID: 450119). Based on the evidence outlined above, the variant was classified as pathogenic.

Baylor Genetics
Classification: Pathogenic for Arthrogryposis multiplex congenita 6. Last evaluated: 2023-03-07. Review status: criteria provided, single submitter. Criteria: ACMG Guidelines, 2015. Collection method: clinical testing. Allele origin: unknown.

GeneDx
Classification: Pathogenic. Last evaluated: 2017-06-30. Review status: criteria provided, single submitter. Criteria: GeneDx Variant Classification (06012015). Collection method: clinical testing. Allele origin: germline. Affected: yes.
Comment: The W3876X variant is not observed at a significant frequency in large population cohorts (Lek et al., 2016; 1000 Genomes Consortium et al., 2015; Exome Variant Server). This variant is predicted to cause loss of normal protein function either through protein truncation or nonsense-mediated mRNA decay. Although the W3876X has not been previously reported to our knowledge, a different nucleotide substitution resulting in the same nonsense variant has been reported in a family with nemaline myopathy who harbored an additional NEB variant (Lehtokari et al., 2014). Additionally, other downstream nonsense variants in the NEB gene have been previously reported in the Human Gene Mutation Database in association with nemaline myopathy (Stenson et al., 2014).

Counsyl
Classification: Likely pathogenic for Nemaline myopathy 2. Last evaluated: 2018-03-29. Review status: no assertion criteria provided. Collection method: clinical testing. Allele origin: unknown. Not counted in ClinVar's aggregate classification.

Literature cited by the submitters: PubMed 25205138 (cited by 3 submitters); PubMed 30792901 (cited by Ambry Genetics); PubMed 27074222 (cited by Women's Health and Genetics/Laboratory Corporation of America, LabCorp).